The following is an entry in ClinVar:

ClinVar aggregate classification (germline): Benign. Review status: criteria provided, multiple submitters, no conflicts (2 of 4 stars). 2 submissions from 2 submitters: Benign (2). Last evaluated 2018-01-12.

Conditions:
Pyruvate dehydrogenase E1-beta deficiency (PDHBD). Identifiers: Orphanet 255138, Orphanet 765, MedGen C3279841, MONDO:0013580, OMIM 614111.

Allele frequency attached by ClinVar (database versions not stated): gnomAD 0.22224 and 0.23720; TOPMed 0.22710; gnomAD exomes 0.30649 and 0.32562; 1000 Genomes Project 30x 0.35775; 1000 Genomes Project 0.36741; ExAC 0.48887.
gnomAD v4.1: 108,962 of 389,678 alleles (28%); highest among the groups gnomAD compares: East Asian, 81%; 19,228 homozygotes.

Submissions (2):

Illumina Laboratory Services, Illumina
Classification: Benign for Pyruvate dehydrogenase E1-beta deficiency. Last evaluated: 2018-01-12. Review status: criteria provided, single submitter. Criteria: ICSL Variant Classification Criteria 13 December 2019. Collection method: clinical testing. Allele origin: germline.
Comment: This variant was observed in the ICSL laboratory as part of a predisposition screen in an ostensibly healthy population. It had not been previously curated by ICSL or reported in the Human Gene Mutation Database (HGMD: prior to June 1st, 2018), and was therefore a candidate for classification through an automated scoring system. Utilizing variant allele frequency, disease prevalence and penetrance estimates, and inheritance mode, an automated score was calculated to assess if this variant is too frequent to cause the disease. Based on the score and internal cut-off values, a variant classified as benign is not then subjected to further curation. The score for this variant resulted in a classification of benign for this disease.

Breakthrough Genomics
Classification: Benign. Review status: criteria provided, single submitter. Criteria: ACMG Guidelines, 2015. Collection method: not provided. Allele origin: germline. Inheritance: Autosomal recessive inheritance. Affected: yes.

NM_000925.4(PDHB):c.*356A>G

Gene: PDHB (pyruvate dehydrogenase E1 subunit beta; minus strand). Cytogenetic location: 3p14.3.
Variant type: single nucleotide variant.
Coding change: c.*356A>G on transcript NM_000925.4 (MANE Select); 356 bases downstream of the stop codon, A replaced by G.
Molecular consequence: 3 prime UTR variant. On other transcripts: non-coding transcript variant (1).
Genome position (GRCh38, 1-based): chr3:58,427,678, T>C on the plus strand (A>G on the coding strand, the complement: PDHB is on the minus strand). VCF-style: chr3-58427678-T-C. GRCh37 (hg19) VCF-style: chr3-58413405-T-C.
Other names: c.*356A>G (NM_001173468.2, NM_001315536.2).
Identifiers: ClinVar variation 346397 (VCV000346397.6), dbSNP rs1126737, ClinGen allele CA2471329.